The following is an entry in ClinVar:

ClinVar aggregate classification (germline): Pathogenic. Review status: criteria provided, multiple submitters, no conflicts (2 of 4 stars). 12 submissions from 12 submitters: Pathogenic (9). 3 of the submissions do not count toward it. Last evaluated 2024-05-16.

Conditions:
Chromosome 2q32-q33 deletion syndrome (GLASS). Also called: Glass syndrome; 2q33.1 deletion syndrome. Identifiers: Orphanet 251019, MedGen C2676739, MONDO:0012864, OMIM 612313.
Dystonic disorder. Also called: Dystonia. Identifiers: MedGen C0013421, MONDO:0003441, HP:0001332.
Intellectual disability. Also called: intellectual disabilities; Intellectual functioning disability; Intellectual developmental disorder. Identifiers: MedGen C3714756, MeSH D008607, MONDO:0001071, HP:0001249.
Neurodevelopmental disorder. Identifiers: MedGen C1535926, MeSH D065886, MONDO:0700092.
Inborn genetic diseases. Identifiers: MedGen C0950123, MeSH D030342.
Isolated cleft palate. Also called: nonsyndromic cleft palate. Identifiers: Orphanet 2014, MedGen C1837218, MONDO:0007336, OMIM 119540.

Submissions (12):

Labcorp Genetics (formerly Invitae), Labcorp
Classification: Pathogenic for Chromosome 2q32-q33 deletion syndrome. Last evaluated: 2024-05-16. Review status: criteria provided, single submitter. Criteria: Invitae Variant Classification Sherloc (09022015). Collection method: clinical testing. Allele origin: germline.
Comment: This sequence change creates a premature translational stop signal (p.Arg459*) in the SATB2 gene. It is expected to result in an absent or disrupted protein product. Loss-of-function variants in SATB2 are known to be pathogenic (PMID: 25885067). This variant is not present in population databases (gnomAD no frequency). This premature translational stop signal has been observed in individual(s) with Glass syndrome (PMID: 26596517, 28211976). In at least one individual the variant was observed to be de novo. ClinVar contains an entry for this variant (Variation ID: 522269). For these reasons, this variant has been classified as Pathogenic.

GeneDx
Classification: Pathogenic. Last evaluated: 2023-10-05. Review status: criteria provided, single submitter. Criteria: GeneDx Variant Classification Process June 2021. Collection method: clinical testing. Allele origin: germline. Affected: yes.
Comment: Nonsense variant predicted to result in protein truncation or nonsense mediated decay in a gene for which loss-of-function is a known mechanism of disease; Not observed at significant frequency in large population cohorts (gnomAD); This variant is associated with the following publications: (PMID: 28211976, 32446642, 25533962, 28135719, 29436146, 28191890, 26596517, 25326635, 32581362, 31785789)

3billion
Classification: Pathogenic for Chromosome 2q32-q33 deletion syndrome. Last evaluated: 2023-02-23. Review status: criteria provided, single submitter. Criteria: ACMG Guidelines, 2015. Collection method: clinical testing. Allele origin: unknown. Affected: yes.
Comment: The variant is not observed in the gnomAD v2.1.1 dataset. This variant was predicted to result in a loss or disruption of normal protein function through nonsense-mediated decay (NMD) or protein truncation. Multiple pathogenic variants are reported downstream of the variant. It has been previously reported as de novo in at least two similarly affected unrelated individuals (PMID: 25533962, 28151491). Therefore, this variant is classified as Pathogenic according to the recommendation of ACMG/AMP guideline.

Laboratory of Molecular Genetics (Pr. Bezieau's lab), CHU de Nantes
Classification: Pathogenic for Neurodevelopmental disorder. Last evaluated: 2022-08-29. Review status: criteria provided, single submitter. Criteria: ACMG Guidelines, 2015. Collection method: clinical testing. Allele origin: germline. Affected: yes.

Fulgent Genetics
Classification: Pathogenic for Chromosome 2q32-q33 deletion syndrome. Last evaluated: 2018-10-31. Review status: criteria provided, single submitter. Criteria: ACMG Guidelines, 2015. Collection method: clinical testing. Allele origin: unknown.

Baylor Genetics
Classification: Pathogenic for Chromosome 2q32-q33 deletion syndrome. Last evaluated: 2017-09-01. Review status: criteria provided, single submitter. Criteria: ACMG Guidelines, 2015. Collection method: clinical testing. Allele origin: de novo. Inheritance: Autosomal dominant inheritance. Affected: yes.
Comment: This nonsense variant is categorized as deleterious according to ACMG guidelines (PMID:18414213) and was found once in our laboratory de novo in a set of 10-year-old male twins with intellectual disability, dysmorphisms, cleft palate, hyperextensibility

Genome Diagnostics Laboratory, University Medical Center Utrecht
Classification: Pathogenic for Isolated cleft palate. Last evaluated: 2017-07-28. Review status: criteria provided, single submitter. Criteria: ACGS Guidelines, 2013. Collection method: clinical testing. Allele origin: germline. Affected: yes. Study: VKGL Data-share Consensus.

Ambry Genetics
Classification: Pathogenic for Inborn genetic diseases. Last evaluated: 2017-03-03. Review status: criteria provided, single submitter. Criteria: Ambry Variant Classification Scheme 2023. Collection method: clinical testing. Allele origin: germline.
Comment: The p.R459* pathogenic mutation (also known as c.1375C>T), located in coding exon 7 of the SATB2 gene, results from a C to T substitution at nucleotide position 1375. This changes the amino acid from an arginine to a stop codon within coding exon 7. This mutation occurred de novo in two patients with developmental delay and cleft palate (Deciphering Developmental Disorders Study. Nature, 2015 Mar;519:223-8; Lee JS et al. Clin. Genet., 2016 Jun;89:728-32). In addition to the clinical data presented in the literature, this alteration is expected to result in loss of function by premature protein truncation or nonsense-mediated mRNA decay. As such, this alteration is interpreted as a disease-causing mutation.

Genome Diagnostics Laboratory, Amsterdam University Medical Center
Classification: Pathogenic for Isolated cleft palate. Last evaluated: 2014-10-24. Review status: criteria provided, single submitter. Criteria: ACGS Guidelines, 2013. Collection method: clinical testing. Allele origin: germline. Affected: yes. Study: VKGL Data-share Consensus.

GeneReviews
No classification provided. Condition: Chromosome 2q32-q33 deletion syndrome. Review status: no classification provided. Collection method: literature only. Allele origin: de novo. Not counted in ClinVar's aggregate classification.

Joint Genome Diagnostic Labs from Nijmegen and Maastricht, Radboudumc and MUMC+
Classification: Pathogenic. Review status: no assertion criteria provided. Collection method: clinical testing. Allele origin: germline. Affected: yes. Study: VKGL Data-share Consensus. Not counted in ClinVar's aggregate classification.

NIHR Bioresource Rare Diseases, University of Cambridge
Classification: Likely pathogenic for Intellectual disability; Dystonic disorder. Review status: no assertion criteria provided. Collection method: research. Allele origin: unknown. Affected: yes. Observed: 1 variant allele. Not counted in ClinVar's aggregate classification.

Literature cited by the submitters: PubMed 25885067 (cited by Labcorp Genetics (formerly Invitae), Labcorp); PubMed 26596517 (cited by 3 submitters); PubMed 28211976 (cited by Labcorp Genetics (formerly Invitae), Labcorp); PubMed 28151491 (cited by 3billion); PubMed 25533962 (cited by 3billion and Ambry Genetics); PubMed 25326635 (cited by Baylor Genetics); NCBI Bookshelf NBK458647 (cited by GeneReviews); PubMed 29023086 (cited by GeneReviews); PubMed 32581362 (cited by NIHR Bioresource Rare Diseases, University of Cambridge).

NM_001172509.2(SATB2):c.1375C>T (p.Arg459Ter)

Gene: SATB2 (SATB homeobox 2; minus strand). Cytogenetic location: 2q33.1.
Variant type: single nucleotide variant.
Coding change: c.1375C>T on transcript NM_001172509.2 (MANE Select); coding-DNA position 1375, C replaced by T.
Protein change: p.Arg459Ter; replaces arginine 459 with a stop codon.
Molecular consequence: nonsense.
Genome position (GRCh38, 1-based): chr2:199,328,709, G>A on the plus strand (C>T on the coding strand, the complement: SATB2 is on the minus strand). VCF-style: chr2-199328709-G-A. GRCh37 (hg19) VCF-style: chr2-200193432-G-A.
Other names: c.1375C>T, p.Arg459Ter (NM_001172517.1, NM_015265.4); short protein forms R459*.
Identifiers: ClinVar variation 522269 (VCV000522269.23), dbSNP rs1553547838, ClinGen allele CA350386146.
Genomic context (GRCh38, chr2:199,328,709, plus strand): 5'-AGATGTTTCCAAGACAAAGAGTGAAAAATACGGAAAGCAAGTTTCTCACCTGAGGGGTTC[G>A]GGAGGAGCTGGGACTGCTGGAGGCCGAGGAGACCATGCTCACATTGGGATTCATGCTCCG-3'